The following is an entry in ClinVar:

ClinVar aggregate classification (germline): Uncertain significance (1 of 4 stars; one submission).

Conditions:
Familial hypocalciuric hypercalcemia (FHH). Also called: Familial benign hypercalcemia. Identifiers: Orphanet 405, MedGen C1809471, MONDO:0018458.
Autosomal dominant hypocalcemia 1 (HYPOC1). Also called: HYPOCALCEMIA, FAMILIAL. Identifiers: MONDO:0011013, OMIM 601198, MedGen C3715128.

Submission:

Labcorp Genetics (formerly Invitae), Labcorp
Classification: Uncertain significance for Familial hypocalciuric hypercalcemia; Autosomal dominant hypocalcemia 1. Last evaluated: 2022-09-13. Review status: criteria provided, single submitter. Criteria: Invitae Variant Classification Sherloc (09022015). Collection method: clinical testing. Allele origin: germline.
Comment: In summary, the available evidence is currently insufficient to determine the role of this variant in disease. Therefore, it has been classified as a Variant of Uncertain Significance. Algorithms developed to predict the effect of missense changes on protein structure and function (SIFT, PolyPhen-2, Align-GVGD) all suggest that this variant is likely to be tolerated. ClinVar contains an entry for this variant (Variation ID: 1522472). This variant has not been reported in the literature in individuals affected with CASR-related conditions. This variant is not present in population databases (gnomAD no frequency). This sequence change replaces leucine, which is neutral and non-polar, with phenylalanine, which is neutral and non-polar, at codon 394 of the CASR protein (p.Leu394Phe).

NM_000388.4(CASR):c.1180C>T (p.Leu394Phe)

Gene: CASR (calcium sensing receptor; plus strand). Cytogenetic location: 3q21.1.
Variant type: single nucleotide variant.
Coding change: c.1180C>T on transcript NM_000388.4 (MANE Select); coding-DNA position 1180, C replaced by T.
Protein change: p.Leu394Phe; replaces leucine 394 with phenylalanine.
Molecular consequence: missense variant.
Genome position (GRCh38, 1-based): chr3:122,262,215, C>T. VCF-style: chr3-122262215-C-T. GRCh37 (hg19) VCF-style: chr3-121981062-C-T.
Other names: c.1180C>T, p.Leu394Phe (NM_001178065.2); short protein forms L394F.
Identifiers: ClinVar variation 1522472 (VCV001522472.8), dbSNP rs1559959773, ClinGen allele CA354152762.